The following is an entry in ClinVar:

NM_001371928.1(AHDC1):c.2042G>A (p.Gly681Asp)

Gene: AHDC1 (AT-hook DNA binding motif containing 1; minus strand). Cytogenetic location: 1p36.11.
Variant type: single nucleotide variant.
Coding change: c.2042G>A on transcript NM_001371928.1 (MANE Select); coding-DNA position 2042, G replaced by A.
Protein change: p.Gly681Asp; replaces glycine 681 with aspartic acid.
Molecular consequence: missense variant.
Genome position (GRCh38, 1-based): chr1:27,550,074, C>T on the plus strand (G>A on the coding strand, the complement: AHDC1 is on the minus strand). VCF-style: chr1-27550074-C-T. GRCh37 (hg19) VCF-style: chr1-27876585-C-T.
Other names: c.2042G>A, p.Gly681Asp (NM_001029882.3); short protein forms G681D.
Identifiers: ClinVar variation 3776664 (VCV003776664.1).

ClinVar aggregate classification (germline): Uncertain significance (1 of 4 stars; one submission).

Submission:

GeneDx
Classification: Uncertain significance. Last evaluated: 2024-10-03. Review status: criteria provided, single submitter. Criteria: GeneDx Variant Classification Process June 2021. Collection method: clinical testing. Allele origin: germline. Affected: yes.
Comment: Not observed at significant frequency in large population cohorts (gnomAD); In silico analysis indicates that this missense variant does not alter protein structure/function; Has not been previously published as pathogenic or benign to our knowledge